The following is an entry in ClinVar:

NM_002016.2(FLG):c.5699T>C (p.Val1900Ala)

Genes: CCDST (cervical cancer associated DHX9 suppressive transcript; plus strand), FLG (filaggrin; minus strand). Cytogenetic location: 1q21.3.
Variant type: single nucleotide variant.
Coding change: c.5699T>C on transcript NM_002016.2 (MANE Select); coding-DNA position 5699, T replaced by C.
Protein change: p.Val1900Ala; replaces valine 1900 with alanine.
Molecular consequence: missense variant.
Genome position (GRCh38, 1-based): chr1:152,309,187, A>G on the plus strand (T>C on the coding strand, the complement: FLG is on the minus strand). VCF-style: chr1-152309187-A-G. GRCh37 (hg19) VCF-style: chr1-152281663-A-G.
Other names: short protein forms V1900A.
Identifiers: ClinVar variation 2389518 (VCV002389518.24), dbSNP rs557165533, ClinGen allele CA1105640.

ClinVar aggregate classification (germline): Conflicting classifications of pathogenicity. Review status: criteria provided, conflicting classifications (1 of 4 stars). 2 submissions from 2 submitters: Uncertain significance (1); Likely benign (1). Last evaluated 2024-12-05.

Conditions:
Inborn genetic diseases. Identifiers: MedGen C0950123, MeSH D030342.

Allele frequency attached by ClinVar (database versions not stated): ExAC 0.00013; 1000 Genomes Project 30x 0.00047; 1000 Genomes Project 0.00080.
gnomAD v4.1: 82 of 1,611,504 alleles (0.0051%); highest among the groups gnomAD compares: African/African-American, 0.11%; no homozygotes.

Submissions (2):

Ambry Genetics
Classification: Uncertain significance for Inborn genetic diseases. Last evaluated: 2024-12-05. Review status: criteria provided, single submitter. Criteria: Ambry Variant Classification Scheme 2023. Collection method: clinical testing. Allele origin: germline.

CeGaT Center for Human Genetics Tuebingen
Classification: Likely benign. Last evaluated: 2024-03-01. Review status: criteria provided, single submitter. Criteria: CeGaT Center For Human Genetics Tuebingen Variant Classification Criteria Version 2. Collection method: clinical testing. Allele origin: germline. Affected: yes. Observed: 1 variant allele.
Comment: FLG: BP4